The following is an entry in ClinVar:

NC_000017.10:g.(?_41234415)_(41258556_?)dup

Genes: BRCA1 (BRCA1 DNA repair associated; minus strand), LOC126862571 (BRD4-independent group 4 enhancer GRCh37_chr17:41243136-41244335; plus strand). Cytogenetic location: 17q21.31.
Variant type: Duplication.
Identifiers: ClinVar variation 531594 (VCV000531594.1).

ClinVar aggregate classification (germline): Likely pathogenic (1 of 4 stars; one submission).

Conditions:
Hereditary breast ovarian cancer syndrome. Also called: Hereditary breast and ovarian cancer syndrome (HBOC); BRCA1- and BRCA2-Associated Hereditary Breast and Ovarian Cancer; Hereditary breast and ovarian cancer syndrome; Breast and ovarian cancer; Hereditary breast and ovarian cancer; Hereditary breast and/or ovarian cancer syndrome. Identifiers: Orphanet 145, MedGen C0677776, MeSH D061325, MONDO:0003582. Disease mechanism: loss of function.

Submission:

Labcorp Genetics (formerly Invitae), Labcorp
Classification: Likely pathogenic for Hereditary breast and ovarian cancer syndrome. Last evaluated: 2018-01-24. Review status: criteria provided, single submitter. Criteria: Invitae Variant Classification Sherloc (09022015). Collection method: clinical testing. Allele origin: germline.
Comment: This variant is a gross duplication of the genomic region encompassing exons 4-12 of the BRCA1 gene. While the exact position of the duplicated exons cannot be determined from this data, the duplicated copy of this region is likely in tandem and may result in an absent or disrupted protein product. Similar duplications encompassed by this larger event have been reported in individuals affected with breast and/or ovarian cancer (PMID: 26271414, 24825132, 10827109, 22544547). Specifically, duplications of exon 12, also known as exon 13 in the literature, have been identified in several families, and are considered a common BRCA1 founder mutation in diverse populations (PMID: 9915971, 10827109, 20232141, 15951973). Sub-genic duplications are generally in tandem (PMID: 25640679), and result in an absent or disrupted protein. Loss-of-function variants in BRCA1 are known to be pathogenic (PMID: 20104584). In summary, the currently available evidence indicates that the variant is pathogenic, but additional data are needed to prove that conclusively. Therefore, this variant has been classified as Likely Pathogenic.

Literature cited by the submitters: PubMed 9915971; PubMed 22544547; PubMed 24825132; PubMed 10827109; PubMed 20232141; PubMed 26271414; PubMed 15951973.